The following is an entry in ClinVar:

ClinVar aggregate classification (germline): Pathogenic/Likely pathogenic. Review status: criteria provided, multiple submitters, no conflicts (2 of 4 stars). 4 submissions from 4 submitters: Pathogenic (1); Likely pathogenic (3). Last evaluated 2024-11-26.

Conditions:
Hereditary cancer-predisposing syndrome. Also called: Hereditary neoplastic syndrome; Tumor predisposition; Neoplastic Syndromes, Hereditary; Hereditary Cancer Syndrome. Identifiers: Orphanet 140162, MedGen C0027672, MeSH D009386, MONDO:0015356.
Cardiovascular phenotype. Identifiers: MedGen CN230736.
Neurofibromatosis, type 1 (NF1). Also called: Peripheral type neurofibromatosis; VON RECKLINGHAUSEN DISEASE; NEUROFIBROMATOSIS, TYPE I, SOMATIC; Neurofibromatosis, type I. Identifiers: Orphanet 636, MedGen C0027831, MONDO:0018975, OMIM 162200. Disease mechanism: loss of function.
Café-au-lait macules with pulmonary stenosis (WTSN). Also called: PULMONIC STENOSIS WITH CAFE-AU-LAIT SPOTS. Identifiers: MedGen C0553586, MONDO:0008672, OMIM 193520.

Submissions (4):

Labcorp Genetics (formerly Invitae), Labcorp
Classification: Pathogenic for Neurofibromatosis, type 1. Last evaluated: 2024-11-26. Review status: criteria provided, single submitter. Criteria: Invitae Variant Classification Sherloc (09022015). Collection method: clinical testing. Allele origin: germline.
Comment: This sequence change affects a donor splice site in intron 9 of the NF1 gene. It is expected to disrupt RNA splicing. Variants that disrupt the donor or acceptor splice site typically lead to a loss of protein function (PMID: 16199547), and loss-of-function variants in NF1 are known to be pathogenic (PMID: 10712197, 23913538). This variant is not present in population databases (gnomAD no frequency). Disruption of this splice site has been observed in individuals with neurofibromatosis type 1 (PMID: 17426081, 24413922). ClinVar contains an entry for this variant (Variation ID: 956905). Algorithms developed to predict the effect of sequence changes on RNA splicing suggest that this variant may disrupt the consensus splice site. For these reasons, this variant has been classified as Pathogenic.

Dubai Health Genomic Medicine Center, Dubai Health
Classification: Likely pathogenic for Watson syndrome. Last evaluated: 2024-10-04. Review status: criteria provided, single submitter. Criteria: ACMG Guidelines, 2015. Collection method: research. Allele origin: germline. Affected: yes.
Comment: PVS1,PM2

GeneDx
Classification: Likely pathogenic. Last evaluated: 2022-05-27. Review status: criteria provided, single submitter. Criteria: GeneDx Variant Classification Process June 2021. Collection method: clinical testing. Allele origin: germline. Affected: yes.
Comment: Canonical splice site variant expected to result in aberrant splicing, predicted to cause in-frame loss of the adjacent exon; Not observed at significant frequency in large population cohorts (gnomAD); Deletions involving coding exons of this gene are a known mechanism of disease (HGMD); This variant is associated with the following publications: (PMID: 17426081, 24413922, 23660872, 25525159)

Ambry Genetics
Classification: Likely pathogenic for Cardiovascular phenotype; Hereditary cancer-predisposing syndrome. Last evaluated: 2021-08-30. Review status: criteria provided, single submitter. Criteria: Ambry Variant Classification Scheme 2023. Collection method: clinical testing. Allele origin: germline.
Comment: The c.1062+2T>C intronic variant results from a T to C substitution two nucleotides after coding exon 9 in the NF1 gene. The variant has been detected in multiple individuals with a clinical diagnosis of neurofibromatosis type 1 and reported to be de novo in one individual (Bausch B et al. J Clin Endocrinol Metab, 2007 Jul;92:2784-92; Ben-Salem S et al. Childs Nerv Syst, 2014 Jul;30:1183-9). Alterations that disrupt the canonical splice site are expected to result in aberrant splicing. In silico splice site analysis predicts that this alteration will weaken the native splice donor site. The resulting transcript is predicted to be in-frame and is not expected to trigger nonsense-mediated mRNAdecay; however, direct evidence is unavailable. The exact functional effect of the altered amino acid sequence is unknown; however, the impacted region is critical for protein function (Ambry internal data). This variant is considered to be rare based on population cohorts in the Genome Aggregation Database (gnomAD). This nucleotide position is highly conserved in available vertebrate species. Based on the majority of available evidence to date, this variant is likely to be pathogenic.

Literature cited by the submitters: PubMed 16199547 (cited by Labcorp Genetics (formerly Invitae), Labcorp); PubMed 10712197 (cited by Labcorp Genetics (formerly Invitae), Labcorp); PubMed 23913538 (cited by Labcorp Genetics (formerly Invitae), Labcorp); PubMed 17426081 (cited by Labcorp Genetics (formerly Invitae), Labcorp); PubMed 24413922 (cited by Labcorp Genetics (formerly Invitae), Labcorp).

NM_001042492.3(NF1):c.1062+2T>C

Gene: NF1 (neurofibromin 1; plus strand). Cytogenetic location: 17q11.2.
Variant type: single nucleotide variant.
Coding change: c.1062+2T>C on transcript NM_001042492.3 (MANE Select); the canonical splice donor site of the intron after coding-DNA position 1062, T replaced by C.
Molecular consequence: splice donor variant.
Genome position (GRCh38, 1-based): chr17:31,200,597, T>C. VCF-style: chr17-31200597-T-C. GRCh37 (hg19) VCF-style: chr17-29527615-T-C.
Other names: c.1062+2T>C (NM_000267.4, NM_001128147.3).
Identifiers: ClinVar variation 956905 (VCV000956905.11), dbSNP rs2066510391, ClinGen allele CA398996582.